The following is an entry in ClinVar:

NM_003482.4(KMT2D):c.7603C>T (p.Arg2535Cys)

Gene: KMT2D (lysine methyltransferase 2D; minus strand). Cytogenetic location: 12q13.12.
Variant type: single nucleotide variant.
Coding change: c.7603C>T on transcript NM_003482.4 (MANE Select); coding-DNA position 7603, C replaced by T.
Protein change: p.Arg2535Cys; replaces arginine 2535 with cysteine.
Molecular consequence: missense variant.
Genome position (GRCh38, 1-based): chr12:49,040,167, G>A on the plus strand (C>T on the coding strand, the complement: KMT2D is on the minus strand). VCF-style: chr12-49040167-G-A. GRCh37 (hg19) VCF-style: chr12-49433950-G-A.
Other names: short protein forms R2535C.
Identifiers: ClinVar variation 2043750 (VCV002043750.6), dbSNP rs780306423, ClinGen allele CA6547029.
Genomic context (GRCh38, chr12:49,040,167, plus strand): 5'-CAGGCTGAGGGACAGGGGGCTTTAGGGAAGGCTCCCCTACTGCCTGAGGGAAAGTGAAAC[G>A]CATGGGAGAGGGGGTGCCCACAAATGCACCCGTCCCAGGGGACCGGACAAAATTGGGGGG-3'
Protein context (NP_003473.3, residues 2525-2545): GAFVGTPSPM[Arg2535Cys]FTFPQAVGEP

ClinVar aggregate classification (germline): Conflicting classifications of pathogenicity. Review status: criteria provided, conflicting classifications (1 of 4 stars). 3 submissions from 3 submitters: Uncertain significance (2); Benign (1). Last evaluated 2025-11-12.

Conditions:
Kabuki syndrome 1 (KABUK1). Also called: KMT2D-Related Kabuki Syndrome. Identifiers: Orphanet 2322, MedGen CN030661, MONDO:0007843, OMIM 147920.
Choanal atresia-athelia-hypothyroidism-delayed puberty-short stature syndrome (BCAHH). Also called: BRANCHIAL ARCH ABNORMALITIES, CHOANAL ATRESIA, ATHELIA, HEARING LOSS, AND HYPOTHYROIDISM SYNDROME. Identifiers: Orphanet 589856, MedGen C5680310, MONDO:0035651, OMIM 620186.
KMT2D-related disorder. Also called: KMT2D-Related Disorders.
Kabuki syndrome. Also called: NIIKAWA-KUROKI SYNDROME; Kabuki make-up syndrome. Identifiers: Orphanet 2322, MedGen C0796004, MONDO:0016512.

Allele frequency attached by ClinVar (database versions not stated): TOPMed 0.00005; gnomAD exomes 0.00008; gnomAD 0.00010; ExAC 0.00011.
gnomAD v4.1: 132 of 1,613,684 alleles (0.0082%); highest among the groups gnomAD compares: South Asian, 0.027%; 1 homozygote.

Submissions (3):

Labcorp Genetics (formerly Invitae), Labcorp
Classification: Benign for Kabuki syndrome. Last evaluated: 2025-11-12. Review status: criteria provided, single submitter. Criteria: Invitae Variant Classification Sherloc (09022015). Collection method: clinical testing. Allele origin: germline.

PreventionGenetics, part of Exact Sciences
Classification: Uncertain significance for KMT2D-related condition. Last evaluated: 2023-04-18. Review status: criteria provided, single submitter. Criteria: ACMG Guidelines, 2015. Collection method: clinical testing. Allele origin: germline.
Comment: The KMT2D c.7603C>T variant is predicted to result in the amino acid substitution p.Arg2535Cys. To our knowledge, this variant has not been reported in the literature. This variant is reported in 0.028% of alleles in individuals of European (Finnish) descent in gnomAD. Although we suspect that this variant may be benign, at this time, the clinical significance of this variant is uncertain due to the absence of conclusive functional and genetic evidence.

Department of Pathology and Laboratory Medicine, Sinai Health System
Classification: Uncertain significance for Kabuki syndrome 1; Choanal atresia-athelia-hypothyroidism-delayed puberty-short stature syndrome. Last evaluated: 2022-09-27. Review status: criteria provided, single submitter. Criteria: ACMG Guidelines, 2015. Collection method: research. Allele origin: germline.